The following is an entry in ClinVar:

ClinVar aggregate classification (germline): Likely pathogenic (1 of 4 stars; one submission).

Conditions:
Autosomal recessive limb-girdle muscular dystrophy type 2J (LGMDR10). Also called: Limb-girdle muscular dystrophy, type 2J; MUSCULAR DYSTROPHY, LIMB-GIRDLE, AUTOSOMAL RECESSIVE 10. Identifiers: Orphanet 140922, MedGen C1837342, MONDO:0012127, OMIM 608807.
Dilated cardiomyopathy 1G (CMD1G). Identifiers: Orphanet 154, MedGen C1858763, MONDO:0011400, OMIM 604145.

Submission:

Labcorp Genetics (formerly Invitae), Labcorp
Classification: Likely pathogenic for Dilated cardiomyopathy 1G; Autosomal recessive limb-girdle muscular dystrophy type 2J. Last evaluated: 2025-04-27. Review status: criteria provided, single submitter. Criteria: Invitae Variant Classification Sherloc (09022015). Collection method: clinical testing. Allele origin: germline.
Comment: This sequence change affects a donor splice site in intron 203 of the TTN gene. It is expected to disrupt RNA splicing and likely results in a truncated or disrupted TTN protein. This variant is not present in population databases (gnomAD no frequency). This variant has not been reported in the literature in individuals affected with TTN-related conditions. Algorithms developed to predict the effect of sequence changes on RNA splicing suggest that this variant may disrupt the consensus splice site. This variant is located in the I band of TTN (PMID: 25589632). Truncating variants in this region have been reported in individuals affected with autosomal recessive centronuclear myopathy (PMID: 23975875, internal data). Truncating variants in this region have also been identified in individuals affected with autosomal dominant dilated cardiomyopathy and/or cardio-related conditions (PMID: 27869827, 32964742, internal data). In summary, the currently available evidence indicates that the variant is pathogenic, but additional data are needed to prove that conclusively. Therefore, this variant has been classified as Likely Pathogenic.

Literature cited by the submitters: PubMed 25589632; PubMed 23975875; PubMed 27869827; PubMed 32964742.

NM_001267550.2(TTN):c.39211+2T>C

Gene: TTN (titin; minus strand). Cytogenetic location: 2q31.2.
Variant type: single nucleotide variant.
Coding change: c.39211+2T>C on transcript NM_001267550.2 (MANE Select); the canonical splice donor site of the intron after coding-DNA position 39211, T replaced by C.
Molecular consequence: splice donor variant. On other transcripts: intron variant (3).
Genome position (GRCh38, 1-based): chr2:178,652,262, A>G on the plus strand (T>C on the coding strand, the complement: TTN is on the minus strand). VCF-style: chr2-178652262-A-G. GRCh37 (hg19) VCF-style: chr2-179516989-A-G.
Other names: c.13283-9945T>C (NM_003319.4); c.13859-9945T>C (NM_133437.4); c.13658-9945T>C (NM_133432.3); c.31909+2T>C (NM_133378.4); c.34690+2T>C (NM_001256850.1).
Identifiers: ClinVar variation 4790658 (VCV004790658.1).